The following is an entry in ClinVar:

ClinVar aggregate classification (germline): Uncertain significance (1 of 4 stars; one submission).

Conditions:
Cardiovascular phenotype. Identifiers: MedGen CN230736.

Submission:

Ambry Genetics
Classification: Uncertain significance for Cardiovascular phenotype. Last evaluated: 2026-07-02. Review status: criteria provided, single submitter. Criteria: Ambry Variant Classification Scheme 2023. Collection method: clinical testing. Allele origin: germline.
Comment: The p.Q1715P variant (also known as c.5144A>C), located in coding exon 26 of the APOB gene, results from an A to C substitution at nucleotide position 5144. The glutamine at codon 1715 is replaced by proline, an amino acid with similar properties. This amino acid position is conserved. In addition, the in silico prediction for this alteration is inconclusive. Based on the available evidence, the clinical significance of this variant remains unclear.

NM_000384.3(APOB):c.5144A>C (p.Gln1715Pro)

Gene: APOB (apolipoprotein B; minus strand). Cytogenetic location: 2p24.1.
Variant type: single nucleotide variant.
Coding change: c.5144A>C on transcript NM_000384.3 (MANE Select); coding-DNA position 5144, A replaced by C.
Protein change: p.Gln1715Pro; replaces glutamine 1715 with proline.
Molecular consequence: missense variant.
Genome position (GRCh38, 1-based): chr2:21,011,724, T>G on the plus strand (A>C on the coding strand, the complement: APOB is on the minus strand). VCF-style: chr2-21011724-T-G. GRCh37 (hg19) VCF-style: chr2-21234596-T-G.
Other names: short protein forms Q1715P.
Identifiers: ClinVar variation 5027479 (VCV005027479.1).
Genomic context (GRCh38, chr2:21,011,724, plus strand): 5'-CCTTCTTGACTGACCTTGAAGTTGAAAATGTTTTTGCTGTCGACACCCAGAATCATGGCC[T>G]GATAAGCACTTCCCAGTGATAGCTCTGTGAGGGCGGCTTTCCCATCCAGACTGAATTTTG-3'
Protein context (NP_000375.3, residues 1705-1725): LTELSLGSAY[Gln1715Pro]AMILGVDSKN